The following is an entry in ClinVar:

ClinVar aggregate classification (germline): Uncertain significance (1 of 4 stars; one submission).

Conditions:
Fanconi anemia (FA). Also called: Fanconi's anemia. Identifiers: Orphanet 84, MedGen C0015625, MeSH D005199, MONDO:0019391.

Submission:

Labcorp Genetics (formerly Invitae), Labcorp
Classification: Uncertain significance for Fanconi anemia. Last evaluated: 2024-01-03. Review status: criteria provided, single submitter. Criteria: Invitae Variant Classification Sherloc (09022015). Collection method: clinical testing. Allele origin: germline.
Comment: This sequence change replaces glutamine, which is neutral and polar, with lysine, which is basic and polar, at codon 557 of the FANCI protein (p.Gln557Lys). This variant is not present in population databases (gnomAD no frequency). This variant has not been reported in the literature in individuals affected with FANCI-related conditions. Advanced modeling of protein sequence and biophysical properties (such as structural, functional, and spatial information, amino acid conservation, physicochemical variation, residue mobility, and thermodynamic stability) performed at Invitae indicates that this missense variant is expected to disrupt FANCI protein function with a positive predictive value of 80%. In summary, the available evidence is currently insufficient to determine the role of this variant in disease. Therefore, it has been classified as a Variant of Uncertain Significance.

NM_001113378.2(FANCI):c.1669C>A (p.Gln557Lys)

Gene: FANCI (FA complementation group I; plus strand). Cytogenetic location: 15q26.1.
Variant type: single nucleotide variant.
Coding change: c.1669C>A on transcript NM_001113378.2 (MANE Select); coding-DNA position 1669, C replaced by A.
Protein change: p.Gln557Lys; replaces glutamine 557 with lysine.
Molecular consequence: missense variant.
Genome position (GRCh38, 1-based): chr15:89,283,221, C>A. VCF-style: chr15-89283221-C-A. GRCh37 (hg19) VCF-style: chr15-89826452-C-A.
Other names: c.1390C>A, p.Gln464Lys (NM_001376910.1); c.1669C>A, p.Gln557Lys (NM_001376911.1, NM_018193.3); short protein forms Q464K, Q557K.
Identifiers: ClinVar variation 2841961 (VCV002841961.3), dbSNP rs749265627, ClinGen allele CA393745094.
Genomic context (GRCh38, chr15:89,283,221, plus strand): 5'-GTTGCTGGGTTTTTGCTGCTCCTGAAGAACTTTAAAGTTTTAGGCAGCCTGTCATCCTCT[C>A]AGTGCAGTCAGTCTCTCAGTGTCAGTCAGGTAAGGATTATTTACGTTAACTTGCAGTGTG-3'
Protein context (NP_001106849.1, residues 547-567): FKVLGSLSSS[Gln557Lys]CSQSLSVSQV